The following is an entry in ClinVar:

ClinVar aggregate classification (germline): Uncertain significance (1 of 4 stars; one submission).

Allele frequency attached by ClinVar (database versions not stated): gnomAD exomes below 0.00001; gnomAD 0.00001.
gnomAD v4.1: 3 of 1,613,834 alleles (0.00019%); highest among the groups gnomAD compares: Admixed American, 0.005%; no homozygotes.

Submission:

Labcorp Genetics (formerly Invitae), Labcorp
Classification: Uncertain significance. Last evaluated: 2022-08-08. Review status: criteria provided, single submitter. Criteria: Invitae Variant Classification Sherloc (09022015). Collection method: clinical testing. Allele origin: germline.
Comment: In summary, the available evidence is currently insufficient to determine the role of this variant in disease. Therefore, it has been classified as a Variant of Uncertain Significance. Algorithms developed to predict the effect of missense changes on protein structure and function are either unavailable or do not agree on the potential impact of this missense change (SIFT: "Deleterious"; PolyPhen-2: "Benign"; Align-GVGD: "Class C0"). This variant has not been reported in the literature in individuals affected with ADGRV1-related conditions. This variant is not present in population databases (gnomAD no frequency). This sequence change replaces isoleucine, which is neutral and non-polar, with arginine, which is basic and polar, at codon 278 of the ADGRV1 protein (p.Ile278Arg).

NM_032119.4(ADGRV1):c.833T>G (p.Ile278Arg)

Gene: ADGRV1 (adhesion G protein-coupled receptor V1; plus strand). Cytogenetic location: 5q14.3.
Variant type: single nucleotide variant.
Coding change: c.833T>G on transcript NM_032119.4 (MANE Select); coding-DNA position 833, T replaced by G.
Protein change: p.Ile278Arg; replaces isoleucine 278 with arginine.
Molecular consequence: missense variant. On other transcripts: non-coding transcript variant (1).
Genome position (GRCh38, 1-based): chr5:90,627,371, T>G. VCF-style: chr5-90627371-T-G. GRCh37 (hg19) VCF-style: chr5-89923188-T-G.
Other names: short protein forms I278R.
Identifiers: ClinVar variation 1899737 (VCV001899737.3), dbSNP rs1764902352, ClinGen allele CA360366215.
Genomic context (GRCh38, chr5:90,627,371, plus strand): 5'-AAAATGATAGTCCCGTGAGATTCCTTCAGAGTATTTATTTGGTTCCTGAGGAAGACCACA[T>G]ACTCATAATTCCAGTAGTTCGTGGAAAGGACAACAATGGAAATCTGATTGGATCTGATGA-3'
Protein context (NP_115495.3, residues 268-288): SIYLVPEEDH[Ile278Arg]LIIPVVRGKD